The following is an entry in ClinVar:

NM_001365999.1(SZT2):c.720G>A (p.Met240Ile)

Gene: SZT2 (SZT2 subunit of KICSTOR complex; plus strand). Cytogenetic location: 1p34.2.
Variant type: single nucleotide variant.
Coding change: c.720G>A on transcript NM_001365999.1 (MANE Select); coding-DNA position 720, G replaced by A.
Protein change: p.Met240Ile; replaces methionine 240 with isoleucine.
Molecular consequence: missense variant.
Genome position (GRCh38, 1-based): chr1:43,416,049, G>A. VCF-style: chr1-43416049-G-A. GRCh37 (hg19) VCF-style: chr1-43881720-G-A.
Other names: c.720G>A, p.Met240Ile (NM_015284.4); short protein forms M240I.
Identifiers: ClinVar variation 1038179 (VCV001038179.11), dbSNP rs1651682058, ClinGen allele CA340002401.

ClinVar aggregate classification (germline): Uncertain significance. Review status: criteria provided, multiple submitters, no conflicts (2 of 4 stars). 3 submissions from 3 submitters: Uncertain significance (3). Last evaluated 2023-04-11.

Conditions:
Developmental and epileptic encephalopathy, 18 (DEE18). Also called: Early infantile epileptic encephalopathy 18. Identifiers: Orphanet 369894, MedGen C3809624, MONDO:0014201, OMIM 615476.

Submissions (3):

Genome-Nilou Lab
Classification: Uncertain significance for Developmental and epileptic encephalopathy, 18. Last evaluated: 2023-04-11. Review status: criteria provided, single submitter. Criteria: ACMG Guidelines, 2015. Collection method: clinical testing. Allele origin: germline. Affected: no.

Labcorp Genetics (formerly Invitae), Labcorp
Classification: Uncertain significance. Last evaluated: 2020-04-27. Review status: criteria provided, single submitter. Criteria: Invitae Variant Classification Sherloc (09022015). Collection method: clinical testing. Allele origin: germline.
Comment: This sequence change replaces methionine with isoleucine at codon 240 of the SZT2 protein (p.Met240Ile). The methionine residue is weakly conserved and there is a small physicochemical difference between methionine and isoleucine. This variant is not present in population databases (ExAC no frequency). This variant has not been reported in the literature in individuals with SZT2-related conditions. Algorithms developed to predict the effect of missense changes on protein structure and function are either unavailable or do not agree on the potential impact of this missense change (SIFT: "Deleterious"; PolyPhen-2: "Benign"; Align-GVGD: "Class C0"). In summary, the available evidence is currently insufficient to determine the role of this variant in disease. Therefore, it has been classified as a Variant of Uncertain Significance.

GeneDx
Classification: Uncertain significance. Last evaluated: 2019-05-20. Review status: criteria provided, single submitter. Criteria: GeneDx Variant Classification Process June 2021. Collection method: clinical testing. Allele origin: germline. Affected: yes.
Comment: Not observed in large population cohorts (Lek et al., 2016); In silico analysis, which includes protein predictors and evolutionary conservation, supports that this variant does not alter protein structure/function; Has not been previously published as pathogenic or benign to our knowledge